The following is an entry in ClinVar:

NM_020822.3(KCNT1):c.855-9G>A

Gene: KCNT1 (potassium sodium-activated channel subfamily T member 1; plus strand). Cytogenetic location: 9q34.3.
Variant type: single nucleotide variant.
Coding change: c.855-9G>A on transcript NM_020822.3 (MANE Select); 9 bases into the intron before coding-DNA position 855, G replaced by A.
Molecular consequence: intron variant. On other transcripts: synonymous variant (1).
Genome position (GRCh38, 1-based): chr9:135,759,670, G>A. VCF-style: chr9-135759670-G-A. GRCh37 (hg19) VCF-style: chr9-138651516-G-A.
Other names: c.711G>A, p.Gly237= (NM_001272003.2).
Identifiers: ClinVar variation 2951415 (VCV002951415.3), dbSNP rs761283393, ClinGen allele CA5326697.
Genomic context (GRCh38, chr9:135,759,670, plus strand): 5'-GGATCTCTGAGGGGCCACGGCCCCCCAGCTCCTGGGCCCCAGGCCGCCCCTCACTGCCAG[G>A]GGTTGCAGGACCTGCGGCATCCAGCACCTGGAGCGGGCGGGCGAGAACCTGTCCCTCCTG-3'

ClinVar aggregate classification (germline): Uncertain significance (1 of 4 stars; one submission).

Conditions:
Autosomal dominant nocturnal frontal lobe epilepsy 5. Also called: Epilepsy, nocturnal frontal lobe, 5; KCNT1-Related Epilepsy; CILIARY DYSKINESIA, PRIMARY, 28, WITHOUT SITUS INVERSUS; CILIARY DYSKINESIA, PRIMARY, 28, WITH SITUS INVERSUS. Identifiers: Orphanet 98784, MedGen C3554306, MONDO:0014002, OMIM 615005.
Developmental and epileptic encephalopathy, 14 (DEE14). Also called: Early infantile epileptic encephalopathy 14. Identifiers: Orphanet 293181, MedGen C3554195, MONDO:0013989, OMIM 614959.

Allele frequency attached by ClinVar (database versions not stated): gnomAD 0.00001; TOPMed 0.00001; ExAC 0.00002.
gnomAD v4.1: 28 of 1,594,586 alleles (0.0018%); highest among the groups gnomAD compares: Non-Finnish European, 0.0024%; no homozygotes.

Submission:

Labcorp Genetics (formerly Invitae), Labcorp
Classification: Uncertain significance for Autosomal dominant nocturnal frontal lobe epilepsy 5; Developmental and epileptic encephalopathy, 14. Last evaluated: 2023-04-22. Review status: criteria provided, single submitter. Criteria: Invitae Variant Classification Sherloc (09022015). Collection method: clinical testing. Allele origin: germline.
Comment: In summary, the available evidence is currently insufficient to determine the role of this variant in disease. Therefore, it has been classified as a Variant of Uncertain Significance. Algorithms developed to predict the effect of sequence changes on RNA splicing suggest that this variant may disrupt the consensus splice site. This variant has not been reported in the literature in individuals affected with KCNT1-related conditions. This variant is present in population databases (rs761283393, gnomAD 0.001%). This sequence change falls in intron 10 of the KCNT1 gene. It does not directly change the encoded amino acid sequence of the KCNT1 protein.